The following is an entry in ClinVar:

ClinVar aggregate classification (germline): Uncertain significance (1 of 4 stars; one submission).

Conditions:
Glycogen storage disease, type V (GSD5). Also called: MCARDLE DISEASE; MUSCLE GLYCOGEN PHOSPHORYLASE DEFICIENCY; MYOPHOSPHORYLASE DEFICIENCY; PYGM DEFICIENCY; McArdle type glycogen storage disease. Identifiers: Orphanet 368, MedGen C0017924, MONDO:0009293, OMIM 232600.

Submission:

Labcorp Genetics (formerly Invitae), Labcorp
Classification: Uncertain significance for Glycogen storage disease, type V. Last evaluated: 2022-03-20. Review status: criteria provided, single submitter. Criteria: Invitae Variant Classification Sherloc (09022015). Collection method: clinical testing. Allele origin: germline.
Comment: In summary, the available evidence is currently insufficient to determine the role of this variant in disease. Therefore, it has been classified as a Variant of Uncertain Significance. Experimental studies and prediction algorithms are not available or were not evaluated, and the functional significance of this variant is currently unknown. This variant has not been reported in the literature in individuals affected with PYGM-related conditions. This variant results in a copy number gain of the genomic region encompassing exon(s) 6-12 of the PYGM gene. While the exact position of this variant cannot be determined from the data, sub-genic copy number gains are generally in tandem (PMID: 25640679). This variant is predicted to be in-frame, and likely preserves the integrity of the reading frame.

Literature cited by the submitters: PubMed 25640679.

NC_000011.9:g.(?_64520525)_(64523631_?)dup

Gene: PYGM (glycogen phosphorylase, muscle associated; minus strand). Cytogenetic location: 11q13.1.
Variant type: Duplication.
Identifiers: ClinVar variation 2425386 (VCV002425386.4).